The following is an entry in ClinVar:

NM_005245.4(FAT1):c.10086C>T (p.Ala3362=)

Gene: FAT1 (FAT atypical cadherin 1; minus strand). Cytogenetic location: 4q35.2.
Variant type: single nucleotide variant.
Coding change: c.10086C>T on transcript NM_005245.4 (MANE Select); coding-DNA position 10086, C replaced by T.
Protein change: p.Ala3362=; no amino-acid change (alanine 3362 retained).
Molecular consequence: synonymous variant.
Genome position (GRCh38, 1-based): chr4:186,609,303, G>A on the plus strand (C>T on the coding strand, the complement: FAT1 is on the minus strand). VCF-style: chr4-186609303-G-A. GRCh37 (hg19) VCF-style: chr4-187530457-G-A.
Other names: c.10086C>T (NM_005245.3).
Identifiers: ClinVar variation 1642617 (VCV001642617.11), dbSNP rs201374603, ClinGen allele CA3165476.

ClinVar aggregate classification (germline): Likely benign. Review status: criteria provided, multiple submitters, no conflicts (2 of 4 stars). 3 submissions from 3 submitters: Likely benign (2). 1 of the submissions does not count toward it. Last evaluated 2024-11-01.

Conditions:
FAT1-related disorder. Also called: FAT1-related condition.

Allele frequency attached by ClinVar (database versions not stated): gnomAD exomes 0.00007 and 0.00014; 1000 Genomes Project 30x 0.00016; ExAC 0.00018; ESP Exome Variant Server 0.00024; TOPMed 0.00035; gnomAD 0.00038 and 0.00041; 1000 Genomes Project 0.00040.
gnomAD v4.1: 158 of 1,613,916 alleles (0.0098%); highest among the groups gnomAD compares: African/African-American, 0.12%; 1 homozygote.

Submissions (3):

Blueprint Genetics
Classification: Likely benign. Last evaluated: 2024-11-01. Review status: criteria provided, single submitter. Criteria: ACMG Guidelines, 2015. Collection method: clinical testing. Allele origin: germline.

Labcorp Genetics (formerly Invitae), Labcorp
Classification: Likely benign. Last evaluated: 2023-07-17. Review status: criteria provided, single submitter. Criteria: Invitae Variant Classification Sherloc (09022015). Collection method: clinical testing. Allele origin: germline.

PreventionGenetics, part of Exact Sciences
Classification: Likely benign for FAT1-related condition. Last evaluated: 2019-05-03. Review status: no assertion criteria provided. Collection method: clinical testing. Allele origin: germline. Not counted in ClinVar's aggregate classification.
Comment: This variant is classified as likely benign based on ACMG/AMP sequence variant interpretation guidelines (Richards et al. 2015 PMID: 25741868, with internal and published modifications).